The following is an entry in ClinVar:

ClinVar aggregate classification (germline): Uncertain significance (1 of 4 stars; one submission).

Submission:

Labcorp Genetics (formerly Invitae), Labcorp
Classification: Uncertain significance. Last evaluated: 2025-09-02. Review status: criteria provided, single submitter. Criteria: Invitae Variant Classification Sherloc (09022015). Collection method: clinical testing. Allele origin: germline.
Comment: This sequence change replaces glutamine, which is neutral and polar, with histidine, which is basic and polar, at codon 570 of the IL12RB2 protein (p.Gln570His). This variant is not present in population databases (gnomAD no frequency). This variant has not been reported in the literature in individuals affected with IL12RB2-related conditions. ClinVar contains an entry for this variant (Variation ID: 2043558). An algorithm developed to predict the effect of missense changes on protein structure and function (PolyPhen-2) suggests that this variant is likely to be disruptive. In summary, the available evidence is currently insufficient to determine the role of this variant in disease. Therefore, it has been classified as a Variant of Uncertain Significance.

NM_001374259.2(IL12RB2):c.1710G>C (p.Gln570His)

Gene: IL12RB2 (interleukin 12 receptor subunit beta 2; plus strand). Cytogenetic location: 1p31.3.
Variant type: single nucleotide variant.
Coding change: c.1710G>C on transcript NM_001374259.2 (MANE Select); coding-DNA position 1710, G replaced by C.
Protein change: p.Gln570His; replaces glutamine 570 with histidine.
Molecular consequence: missense variant. On other transcripts: non-coding transcript variant (1), intron variant (1).
Genome position (GRCh38, 1-based): chr1:67,372,776, G>C. VCF-style: chr1-67372776-G-C. GRCh37 (hg19) VCF-style: chr1-67838459-G-C.
Other names: c.1710G>C, p.Gln570His (NM_001258214.1, NM_001258216.1, NM_001319233.1 and 1 more transcripts); c.1459+4751G>C (NM_001258215.1); short protein forms Q570H.
Identifiers: ClinVar variation 2043558 (VCV002043558.4), dbSNP rs2523275098, ClinGen allele CA340730324.